The following is an entry in ClinVar:

ClinVar aggregate classification (germline): Uncertain significance (1 of 4 stars; one submission).

Conditions:
Emery-Dreifuss muscular dystrophy 4, autosomal dominant (EDMD4). Also called: EMERY-DREIFUSS MUSCULAR DYSTROPHY 4 WITH VARIABLE FEATURES. Identifiers: Orphanet 261, MedGen C2751807, MONDO:0013071, OMIM 612998.
Autosomal recessive ataxia, Beauce type. Also called: Spinocerebellar ataxia, autosomal recessive 8; ATAXIA, RECESSIVE, OF BEAUCE; SYNE1-Related Autosomal Recessive Cerebellar Ataxia; SYNE1 Deficiency. Identifiers: Orphanet 88644, MedGen C1853116, MONDO:0012549, OMIM 610743.

Allele frequency attached by ClinVar (database versions not stated): TOPMed below 0.00001.

Submission:

Labcorp Genetics (formerly Invitae), Labcorp
Classification: Uncertain significance for Emery-Dreifuss muscular dystrophy 4, autosomal dominant; Autosomal recessive ataxia, Beauce type. Last evaluated: 2022-03-12. Review status: criteria provided, single submitter. Criteria: Invitae Variant Classification Sherloc (09022015). Collection method: clinical testing. Allele origin: germline.
Comment: In summary, the available evidence is currently insufficient to determine the role of this variant in disease. Therefore, it has been classified as a Variant of Uncertain Significance. Algorithms developed to predict the effect of missense changes on protein structure and function (SIFT, PolyPhen-2, Align-GVGD) all suggest that this variant is likely to be tolerated. This variant has not been reported in the literature in individuals affected with SYNE1-related conditions. This variant is not present in population databases (gnomAD no frequency). This sequence change replaces phenylalanine, which is neutral and non-polar, with tyrosine, which is neutral and polar, at codon 2859 of the SYNE1 protein (p.Phe2859Tyr).

NM_182961.4(SYNE1):c.8555T>A (p.Phe2852Tyr)

Genes: SYNE1 (spectrin repeat containing nuclear envelope protein 1; minus strand), LOC126859838 (CDK7 strongly-dependent group 2 enhancer GRCh37_chr6:152706655-152707854; plus strand). Cytogenetic location: 6q25.2.
Variant type: single nucleotide variant.
Coding change: c.8555T>A on transcript NM_182961.4 (MANE Select); coding-DNA position 8555, T replaced by A.
Protein change: p.Phe2852Tyr; replaces phenylalanine 2852 with tyrosine.
Molecular consequence: missense variant.
Genome position (GRCh38, 1-based): chr6:152,385,771, A>T on the plus strand (T>A on the coding strand, the complement: SYNE1 is on the minus strand). VCF-style: chr6-152385771-A-T. GRCh37 (hg19) VCF-style: chr6-152706906-A-T.
Other names: c.8576T>A, p.Phe2859Tyr (NM_033071.5); short protein forms F2852Y, F2859Y.
Identifiers: ClinVar variation 2192387 (VCV002192387.4), dbSNP rs2097517538, ClinGen allele CA366145497.